The following is an entry in ClinVar:

ClinVar aggregate classification (germline): Likely benign. Review status: criteria provided, single submitter (1 of 4 stars). 2 submissions from 2 submitters: Likely benign (1). 1 of the submissions does not count toward it. Last evaluated 2024-07-02.

Conditions:
PLG-related disorder. Also called: PLG-related condition.

Allele frequency attached by ClinVar (database versions not stated): TOPMed 0.00001; ExAC 0.00015.
gnomAD v4.1: 55 of 1,613,424 alleles (0.0034%); highest among the groups gnomAD compares: Non-Finnish European, 0.0047%; no homozygotes.

Submissions (2):

Labcorp Genetics (formerly Invitae), Labcorp
Classification: Likely benign. Last evaluated: 2024-07-02. Review status: criteria provided, single submitter. Criteria: Invitae Variant Classification Sherloc (09022015). Collection method: clinical testing. Allele origin: germline.

PreventionGenetics, part of Exact Sciences
Classification: Likely benign for PLG-related condition. Last evaluated: 2019-04-29. Review status: no assertion criteria provided. Collection method: clinical testing. Allele origin: germline. Not counted in ClinVar's aggregate classification.
Comment: This variant is classified as likely benign based on ACMG/AMP sequence variant interpretation guidelines (Richards et al. 2015 PMID: 25741868, with internal and published modifications).

NM_000301.5(PLG):c.870C>T (p.Thr290=)

Gene: PLG (plasminogen; plus strand). Cytogenetic location: 6q26.
Variant type: single nucleotide variant.
Coding change: c.870C>T on transcript NM_000301.5 (MANE Select); coding-DNA position 870, C replaced by T.
Protein change: p.Thr290=; no amino-acid change (threonine 290 retained).
Molecular consequence: synonymous variant.
Genome position (GRCh38, 1-based): chr6:160,718,376, C>T. VCF-style: chr6-160718376-C-T. GRCh37 (hg19) VCF-style: chr6-161139408-C-T.
Identifiers: ClinVar variation 1905537 (VCV001905537.7), dbSNP rs763256179, ClinGen allele CA4087605.